The following is an entry in ClinVar:

ClinVar aggregate classification (germline): Uncertain significance. Review status: criteria provided, multiple submitters, no conflicts (2 of 4 stars). 2 submissions from 2 submitters: Uncertain significance (2). Last evaluated 2025-04-11.

Conditions:
Gorlin syndrome. Also called: Nevoid Basal Cell Carcinoma Syndrome; Basal cell nevus syndrome. Identifiers: Orphanet 377, MedGen C0004779, MONDO:0007187.
Hereditary cancer-predisposing syndrome. Also called: Tumor predisposition; Hereditary neoplastic syndrome; Neoplastic Syndromes, Hereditary; Hereditary Cancer Syndrome. Identifiers: Orphanet 140162, MedGen C0027672, MeSH D009386, MONDO:0015356.

Submissions (2):

Labcorp Genetics (formerly Invitae), Labcorp
Classification: Uncertain significance for Gorlin syndrome. Last evaluated: 2025-04-11. Review status: criteria provided, single submitter. Criteria: Invitae Variant Classification Sherloc (09022015). Collection method: clinical testing. Allele origin: germline.
Comment: This sequence change replaces valine, which is neutral and non-polar, with aspartic acid, which is acidic and polar, at codon 1205 of the PTCH1 protein (p.Val1205Asp). This variant is not present in population databases (gnomAD no frequency). This variant has not been reported in the literature in individuals affected with PTCH1-related conditions. ClinVar contains an entry for this variant (Variation ID: 940864). Invitae Evidence Modeling of protein sequence and biophysical properties (such as structural, functional, and spatial information, amino acid conservation, physicochemical variation, residue mobility, and thermodynamic stability) has been performed for this missense variant. However, the output from this modeling did not meet the statistical confidence thresholds required to predict the impact of this variant on PTCH1 protein function. In summary, the available evidence is currently insufficient to determine the role of this variant in disease. Therefore, it has been classified as a Variant of Uncertain Significance.

Ambry Genetics
Classification: Uncertain significance for Hereditary cancer-predisposing syndrome. Last evaluated: 2024-09-30. Review status: criteria provided, single submitter. Criteria: Ambry Variant Classification Scheme 2023. Collection method: clinical testing. Allele origin: germline.
Comment: The p.V1205D variant (also known as c.3614T>A), located in coding exon 22 of the PTCH1 gene, results from a T to A substitution at nucleotide position 3614. The valine at codon 1205 is replaced by aspartic acid, an amino acid with highly dissimilar properties. This amino acid position is highly conserved in available vertebrate species. In addition, this alteration is predicted to be deleterious by in silico analysis. Since supporting evidence is limited at this time, the clinical significance of this alteration remains unclear.

NM_000264.5(PTCH1):c.3614T>A (p.Val1205Asp)

Gene: PTCH1 (patched 1; minus strand). Cytogenetic location: 9q22.32.
Variant type: single nucleotide variant.
Coding change: c.3614T>A on transcript NM_000264.5 (MANE Select); coding-DNA position 3614, T replaced by A.
Protein change: p.Val1205Asp; replaces valine 1205 with aspartic acid.
Molecular consequence: missense variant. On other transcripts: non-coding transcript variant (1).
Genome position (GRCh38, 1-based): chr9:95,449,259, A>T on the plus strand (T>A on the coding strand, the complement: PTCH1 is on the minus strand). VCF-style: chr9-95449259-A-T. GRCh37 (hg19) VCF-style: chr9-98211541-A-T.
Other names: c.3161T>A, p.Val1054Asp (NM_001083606.3, NM_001083607.3, NM_001083604.3 and 1 more transcripts); c.3458T>A, p.Val1153Asp (NM_001354918.2); c.3416T>A, p.Val1139Asp (NM_001083602.3); c.3611T>A, p.Val1204Asp (NM_001083603.3); short protein forms V1153D, V1054D, V1204D, V1139D, V1205D.
Identifiers: ClinVar variation 940864 (VCV000940864.13), dbSNP rs775882469, ClinGen allele CA374111292.